The following is an entry in ClinVar:

NM_001256789.3(CACNA1F):c.1416C>T (p.Gly472=)

Gene: CACNA1F (calcium voltage-gated channel subunit alpha1 F; minus strand). Cytogenetic location: Xp11.23.
Variant type: single nucleotide variant.
Coding change: c.1416C>T on transcript NM_001256789.3 (MANE Select); coding-DNA position 1416, C replaced by T.
Protein change: p.Gly472=; no amino-acid change (glycine 472 retained).
Molecular consequence: synonymous variant.
Genome position (GRCh38, 1-based): chrX:49,226,456, G>A on the plus strand (C>T on the coding strand, the complement: CACNA1F is on the minus strand). VCF-style: chrX-49226456-G-A. GRCh37 (hg19) VCF-style: chrX-49082918-G-A.
Other names: c.1254C>T, p.Gly418= (NM_001256790.3); c.1449C>T, p.Gly483= (NM_005183.4).
Identifiers: ClinVar variation 1416261 (VCV001416261.9), dbSNP rs148184710, ClinGen allele CA10410878.

ClinVar aggregate classification (germline): Uncertain significance. Review status: criteria provided, multiple submitters, no conflicts (2 of 4 stars). 2 submissions from 2 submitters: Uncertain significance (2). Last evaluated 2024-02-26.

Allele frequency attached by ClinVar (database versions not stated): gnomAD 0.00001; TOPMed 0.00001; gnomAD exomes 0.00003 and 0.00004; ExAC 0.00008; ESP Exome Variant Server 0.00009.
gnomAD v4.1: 40 of 1,189,819 alleles (0.0034%); highest among the groups gnomAD compares: Non-Finnish European, 0.0042%; no homozygotes.

Submissions (2):

Labcorp Genetics (formerly Invitae), Labcorp
Classification: Uncertain significance. Last evaluated: 2024-02-26. Review status: criteria provided, single submitter. Criteria: Invitae Variant Classification Sherloc (09022015). Collection method: clinical testing. Allele origin: germline.
Comment: This sequence change affects codon 483 of the CACNA1F mRNA. It is a 'silent' change, meaning that it does not change the encoded amino acid sequence of the CACNA1F protein. The frequency data for this variant in the population databases is considered unreliable, as metrics indicate poor data quality at this position in the gnomAD database. This variant has not been reported in the literature in individuals affected with CACNA1F-related conditions. ClinVar contains an entry for this variant (Variation ID: 1416261). Algorithms developed to predict the effect of sequence changes on RNA splicing suggest that this variant may disrupt the consensus splice site. In summary, the available evidence is currently insufficient to determine the role of this variant in disease. Therefore, it has been classified as a Variant of Uncertain Significance.

Blueprint Genetics
Classification: Uncertain significance. Last evaluated: 2022-08-31. Review status: criteria provided, single submitter. Criteria: ACMG Guidelines, 2015. Collection method: clinical testing. Allele origin: germline.